The following is an entry in ClinVar:

ClinVar aggregate classification (germline): Uncertain significance. Review status: criteria provided, multiple submitters, no conflicts (2 of 4 stars). 2 submissions from 2 submitters: Uncertain significance (2). Last evaluated 2026-09-10.

Conditions:
Inborn genetic diseases. Identifiers: MedGen C0950123, MeSH D030342.

gnomAD v4.1: 23 of 1,613,512 alleles (0.0014%); highest among the groups gnomAD compares: African/African-American, 0.004%; no homozygotes.

Submissions (2):

GeneDx
Classification: Uncertain significance. Last evaluated: 2026-09-10. Review status: criteria provided, single submitter. Criteria: GeneDx Variant Classification Process June 2021. Collection method: clinical testing. Allele origin: germline.
Comment: In silico analysis suggests that this missense variant does not alter protein structure/function; Has not been previously published as pathogenic or benign to our knowledge

Ambry Genetics
Classification: Uncertain significance for Inborn genetic diseases. Last evaluated: 2024-11-14. Review status: criteria provided, single submitter. Criteria: Ambry Variant Classification Scheme 2023. Collection method: clinical testing. Allele origin: germline.

NM_001039213.4(CEACAM16):c.213C>G (p.Ser71Arg)

Genes: CEACAM16 (CEA cell adhesion molecule 16, tectorial membrane component; plus strand), CEACAM16-AS1 (CEACAM16, CEACAM19 and PVR antisense RNA 1; minus strand). Cytogenetic location: 19q13.32.
Variant type: single nucleotide variant.
Coding change: c.213C>G on transcript NM_001039213.4 (MANE Select); coding-DNA position 213, C replaced by G.
Protein change: p.Ser71Arg; replaces serine 71 with arginine.
Molecular consequence: missense variant.
Genome position (GRCh38, 1-based): chr19:44,703,524, C>G. VCF-style: chr19-44703524-C-G. GRCh37 (hg19) VCF-style: chr19-45206794-C-G.
Other names: c.213C>G (NM_001039213.2); short protein forms S71R.
Identifiers: ClinVar variation 3381700 (VCV003381700.3).
Genomic context (GRCh38, chr19:44,703,524, plus strand): 5'-CAGCTGGTATGCGGGGCCCACACTCAGCGTGTCATACCTGGTGGCCAGCTACATCGTGAG[C>G]ACAGGCGATGAGACTCCTGGCCCGGCCCACACGGGGCGGGAGGCTGTGCGCCCCGATGGC-3'
Protein context (NP_001034302.2, residues 61-81): VSYLVASYIV[Ser71Arg]TGDETPGPAH